The following is an entry in ClinVar:

ClinVar aggregate classification (germline): Uncertain significance. Review status: criteria provided, multiple submitters, no conflicts (2 of 4 stars). 2 submissions from 2 submitters: Uncertain significance (2). Last evaluated 2025-01-09.

Conditions:
Inborn genetic diseases. Identifiers: MedGen C0950123, MeSH D030342.
Fanconi anemia (FA). Also called: Fanconi's anemia. Identifiers: Orphanet 84, MedGen C0015625, MeSH D005199, MONDO:0019391.

Allele frequency attached by ClinVar (database versions not stated): gnomAD exomes 0.00002; gnomAD 0.00001; TOPMed 0.00001; ExAC 0.00004.
gnomAD v4.1: 17 of 1,614,024 alleles (0.0011%); highest among the groups gnomAD compares: Non-Finnish European, 0.0014%; no homozygotes.

Submissions (2):

Ambry Genetics
Classification: Uncertain significance for Inborn genetic diseases. Last evaluated: 2025-01-09. Review status: criteria provided, single submitter. Criteria: Ambry Variant Classification Scheme 2023. Collection method: clinical testing. Allele origin: germline.
Comment: The p.S53T variant (also known as c.158G>C), located in coding exon 2 of the FANCA gene, results from a G to C substitution at nucleotide position 158. The serine at codon 53 is replaced by threonine, an amino acid with similar properties. This amino acid position is conserved. In addition, this alteration is predicted to be tolerated by in silico analysis. Based on the available evidence, the clinical significance of this variant remains unclear.

Labcorp Genetics (formerly Invitae), Labcorp
Classification: Uncertain significance for Fanconi anemia. Last evaluated: 2024-05-08. Review status: criteria provided, single submitter. Criteria: Invitae Variant Classification Sherloc (09022015). Collection method: clinical testing. Allele origin: germline.
Comment: This sequence change replaces serine, which is neutral and polar, with threonine, which is neutral and polar, at codon 53 of the FANCA protein (p.Ser53Thr). This variant is present in population databases (rs761614742, gnomAD 0.004%). This variant has not been reported in the literature in individuals affected with FANCA-related conditions. ClinVar contains an entry for this variant (Variation ID: 1392311). Advanced modeling of protein sequence and biophysical properties (such as structural, functional, and spatial information, amino acid conservation, physicochemical variation, residue mobility, and thermodynamic stability) has been performed at Invitae for this missense variant, however the output from this modeling did not meet the statistical confidence thresholds required to predict the impact of this variant on FANCA protein function. In summary, the available evidence is currently insufficient to determine the role of this variant in disease. Therefore, it has been classified as a Variant of Uncertain Significance.

NM_000135.4(FANCA):c.158G>C (p.Ser53Thr)

Gene: FANCA (FA complementation group A; minus strand). Cytogenetic location: 16q24.3.
Variant type: single nucleotide variant.
Coding change: c.158G>C on transcript NM_000135.4 (MANE Select); coding-DNA position 158, G replaced by C.
Protein change: p.Ser53Thr; replaces serine 53 with threonine.
Molecular consequence: missense variant.
Genome position (GRCh38, 1-based): chr16:89,815,908, C>G on the plus strand (G>C on the coding strand, the complement: FANCA is on the minus strand). VCF-style: chr16-89815908-C-G. GRCh37 (hg19) VCF-style: chr16-89882316-C-G.
Other names: c.158G>C, p.Ser53Thr (NM_001018112.3, NM_001286167.3, NM_001351830.2); c.158G>C (NM_000135.2); short protein forms S53T.
Identifiers: ClinVar variation 1392311 (VCV001392311.5), dbSNP rs761614742, ClinGen allele CA8253155.